The following is an entry in ClinVar:

NM_001385012.1(NBEA):c.7746G>A (p.Pro2582=)

Gene: NBEA (neurobeachin; plus strand). Cytogenetic location: 13q13.3.
Variant type: single nucleotide variant.
Coding change: c.7746G>A on transcript NM_001385012.1 (MANE Select); coding-DNA position 7746, G replaced by A.
Protein change: p.Pro2582=; no amino-acid change (proline 2582 retained).
Molecular consequence: synonymous variant.
Genome position (GRCh38, 1-based): chr13:35,646,324, G>A. VCF-style: chr13-35646324-G-A. GRCh37 (hg19) VCF-style: chr13-36220461-G-A.
Other names: p.Pro2561=; c.1062G>A, p.Pro354= (NM_001204197.3); c.7737G>A, p.Pro2579= (NM_001379245.1); c.7683G>A, p.Pro2561= (NM_015678.5).
Identifiers: ClinVar variation 720610 (VCV000720610.30), dbSNP rs146396146, ClinGen allele CA6947842.

ClinVar aggregate classification (germline): Benign/Likely benign. Review status: criteria provided, multiple submitters, no conflicts (2 of 4 stars). 6 submissions from 6 submitters: Benign (3); Likely benign (1). 2 of the submissions do not count toward it. Last evaluated 2026-07-01.

Allele frequency attached by ClinVar (database versions not stated): 1000 Genomes Project 30x 0.00109; 1000 Genomes Project 0.00120; gnomAD 0.00141 and 0.00149; ESP Exome Variant Server 0.00169; TOPMed 0.00170; ExAC 0.00208.
gnomAD v4.1: 2,649 of 1,613,588 alleles (0.16%); highest among the groups gnomAD compares: Middle Eastern, 1%; 12 homozygotes.

Submissions (6):

CeGaT Center for Human Genetics Tuebingen
Classification: Likely benign. Last evaluated: 2026-07-01. Review status: criteria provided, single submitter. Criteria: CeGaT Center For Human Genetics Tuebingen Variant Classification Criteria Version 2. Collection method: clinical testing. Allele origin: germline. Affected: yes. Observed: 34 variant alleles.
Comment: NBEA: BP4, BP7, BS1

Mayo Clinic Laboratories, Mayo Clinic
Classification: Benign. Last evaluated: 2025-07-23. Review status: criteria provided, single submitter. Criteria: ACMG Guidelines, 2015. Collection method: clinical testing. Allele origin: germline. Observed: 2 variant alleles.
Comment: BS1, BS2, BP4, BP7

Labcorp Genetics (formerly Invitae), Labcorp
Classification: Benign. Last evaluated: 2018-08-10. Review status: criteria provided, single submitter. Criteria: Invitae Variant Classification Sherloc (09022015). Collection method: clinical testing. Allele origin: germline.

Breakthrough Genomics
Classification: Benign. Review status: criteria provided, single submitter. Criteria: ACMG Guidelines, 2015. Collection method: not provided. Allele origin: germline. Inheritance: Autosomal dominant inheritance. Affected: yes.

Clinical Genetics DNA and cytogenetics Diagnostics Lab, Erasmus MC, Erasmus Medical Center
Classification: Likely benign. Review status: no assertion criteria provided. Collection method: clinical testing. Allele origin: germline. Affected: yes. Study: VKGL Data-share Consensus. Not counted in ClinVar's aggregate classification.

Genome Diagnostics Laboratory, University Medical Center Utrecht
Classification: Likely benign. Review status: no assertion criteria provided. Collection method: clinical testing. Allele origin: germline. Affected: yes. Study: VKGL Data-share Consensus. Not counted in ClinVar's aggregate classification.